The following is an entry in ClinVar:

NM_006846.4(SPINK5):c.2830T>G (p.Phe944Val)

Gene: SPINK5 (serine peptidase inhibitor Kazal type 5; plus strand). Cytogenetic location: 5q32.
Variant type: single nucleotide variant.
Coding change: c.2830T>G on transcript NM_006846.4 (MANE Select); coding-DNA position 2830, T replaced by G.
Protein change: p.Phe944Val; replaces phenylalanine 944 with valine.
Molecular consequence: missense variant.
Genome position (GRCh38, 1-based): chr5:148,125,813, T>G. VCF-style: chr5-148125813-T-G. GRCh37 (hg19) VCF-style: chr5-147505376-T-G.
Other names: c.2920T>G, p.Phe974Val (NM_001127698.2); short protein forms F944V, F974V.
Identifiers: ClinVar variation 578854 (VCV000578854.9), dbSNP rs1169533706, ClinGen allele CA361650241.

ClinVar aggregate classification (germline): Uncertain significance (1 of 4 stars; one submission).

Conditions:
Ichthyosis linearis circumflexa. Identifiers: MedGen C0265962, MONDO:0043106, HP:0025810.

Allele frequency attached by ClinVar (database versions not stated): TOPMed 0.00001; gnomAD 0.00001.
gnomAD v4.1: 1 of 1,614,094 alleles (0.000062%); highest among the groups gnomAD compares: African/African-American, 0.0013%; no homozygotes.

Submission:

Labcorp Genetics (formerly Invitae), Labcorp
Classification: Uncertain significance for Ichthyosis linearis circumflexa. Last evaluated: 2022-07-05. Review status: criteria provided, single submitter. Criteria: Invitae Variant Classification Sherloc (09022015). Collection method: clinical testing. Allele origin: germline.
Comment: This sequence change replaces phenylalanine, which is neutral and non-polar, with valine, which is neutral and non-polar, at codon 944 of the SPINK5 protein (p.Phe944Val). This variant is present in population databases (no rsID available, gnomAD 0.01%). This variant has not been reported in the literature in individuals affected with SPINK5-related conditions. ClinVar contains an entry for this variant (Variation ID: 578854). Algorithms developed to predict the effect of missense changes on protein structure and function output the following: SIFT: "Tolerated"; PolyPhen-2: "Benign"; Align-GVGD: "Class C0". The valine amino acid residue is found in multiple mammalian species, which suggests that this missense change does not adversely affect protein function. Algorithms developed to predict the effect of sequence changes on RNA splicing suggest that this variant may create or strengthen a splice site. In summary, the available evidence is currently insufficient to determine the role of this variant in disease. Therefore, it has been classified as a Variant of Uncertain Significance.